The following is an entry in ClinVar:

NM_001288705.3(CSF1R):c.890-3C>T

Gene: CSF1R (colony stimulating factor 1 receptor; minus strand). Cytogenetic location: 5q32.
Variant type: single nucleotide variant.
Coding change: c.890-3C>T on transcript NM_001288705.3 (MANE Select); 3 bases into the intron before coding-DNA position 890, C replaced by T.
Molecular consequence: intron variant.
Genome position (GRCh38, 1-based): chr5:150,073,496, G>A on the plus strand (C>T on the coding strand, the complement: CSF1R is on the minus strand). VCF-style: chr5-150073496-G-A. GRCh37 (hg19) VCF-style: chr5-149453059-G-A.
Other names: c.446-3C>T (NM_001375321.1); c.890-3C>T (NM_005211.4, NM_001375320.1, NM_001349736.2).
Identifiers: ClinVar variation 2998796 (VCV002998796.3), dbSNP rs2481021529, ClinGen allele CA2675956391.

ClinVar aggregate classification (germline): Uncertain significance (1 of 4 stars; one submission).

Allele frequency attached by ClinVar (database versions not stated): gnomAD exomes below 0.00001.
gnomAD v4.1: 1 of 1,611,454 alleles (0.000062%); highest among the groups gnomAD compares: Non-Finnish European, 0.000085%; no homozygotes.

Submission:

Labcorp Genetics (formerly Invitae), Labcorp
Classification: Uncertain significance. Last evaluated: 2023-05-10. Review status: criteria provided, single submitter. Criteria: Invitae Variant Classification Sherloc (09022015). Collection method: clinical testing. Allele origin: germline.
Comment: In summary, the available evidence is currently insufficient to determine the role of this variant in disease. Therefore, it has been classified as a Variant of Uncertain Significance. Variants that disrupt the consensus splice site are a relatively common cause of aberrant splicing (PMID: 17576681, 9536098). Algorithms developed to predict the effect of sequence changes on RNA splicing suggest that this variant is not likely to affect RNA splicing. This variant has not been reported in the literature in individuals affected with CSF1R-related conditions. This variant is not present in population databases (gnomAD no frequency). This sequence change falls in intron 6 of the CSF1R gene. It does not directly change the encoded amino acid sequence of the CSF1R protein. It affects a nucleotide within the consensus splice site.

Literature cited by the submitters: PubMed 17576681; PubMed 9536098.